The following is an entry in ClinVar:

ClinVar aggregate classification (germline): Uncertain significance. Review status: criteria provided, multiple submitters, no conflicts (2 of 4 stars). 2 submissions from 2 submitters: Uncertain significance (2). Last evaluated 2024-10-09.

Submissions (2):

GeneDx
Classification: Uncertain significance. Last evaluated: 2024-10-09. Review status: criteria provided, single submitter. Criteria: GeneDx Variant Classification Process June 2021. Collection method: clinical testing. Allele origin: germline. Affected: yes.
Comment: Not observed at significant frequency in large population cohorts (gnomAD); In silico analysis indicates that this variant does not alter splicing; Has not been previously published as pathogenic or benign to our knowledge

Labcorp Genetics (formerly Invitae), Labcorp
Classification: Uncertain significance. Last evaluated: 2024-03-20. Review status: criteria provided, single submitter. Criteria: Invitae Variant Classification Sherloc (09022015). Collection method: clinical testing. Allele origin: germline.
Comment: This sequence change affects codon 199 of the GATAD2B mRNA. It is a 'silent' change, meaning that it does not change the encoded amino acid sequence of the GATAD2B protein. This variant also falls at the last nucleotide of exon 4, which is part of the consensus splice site for this exon. This variant is not present in population databases (gnomAD no frequency). This variant has not been reported in the literature in individuals affected with GATAD2B-related conditions. Variants that disrupt the consensus splice site are a relatively common cause of aberrant splicing (PMID: 17576681, 9536098). Algorithms developed to predict the effect of sequence changes on RNA splicing suggest that this variant may disrupt the consensus splice site. In summary, the available evidence is currently insufficient to determine the role of this variant in disease. Therefore, it has been classified as a Variant of Uncertain Significance.

Literature cited by the submitters: PubMed 17576681 (cited by Labcorp Genetics (formerly Invitae), Labcorp); PubMed 9536098 (cited by Labcorp Genetics (formerly Invitae), Labcorp).

NM_020699.4(GATAD2B):c.597G>A (p.Lys199=)

Gene: GATAD2B (GATA zinc finger domain containing 2B; minus strand). Cytogenetic location: 1q21.3.
Variant type: single nucleotide variant.
Coding change: c.597G>A on transcript NM_020699.4 (MANE Select); coding-DNA position 597, G replaced by A.
Protein change: p.Lys199=; no amino-acid change (lysine 199 retained).
Molecular consequence: synonymous variant.
Genome position (GRCh38, 1-based): chr1:153,818,791, C>T on the plus strand (G>A on the coding strand, the complement: GATAD2B is on the minus strand). VCF-style: chr1-153818791-C-T. GRCh37 (hg19) VCF-style: chr1-153791267-C-T.
Other names: c.597G>A (NM_020699.2).
Identifiers: ClinVar variation 3670306 (VCV003670306.3).
Genomic context (GRCh38, chr1:153,818,791, plus strand): 5'-CTACTCTCAAACCAGTTTTTCTTTCCTTTCCCTTAGTCCCTTATTTCTAGGGCACATTAC[C>T]TTCTGGACCACATTCTCTTTCTGTAGCTGACTCTGTCTCAGTTTCTTTAACAGGACCAGT-3'
Protein context (NP_065750.1, residues 189-209): SQLQKENVVQ[Lys199=]TPVVQNAASI